The following is an entry in ClinVar:

NM_001142800.2(EYS):c.4093A>C (p.Lys1365Gln)

Gene: EYS (EGF-like photoreceptor maintenance factor; minus strand). Cytogenetic location: 6q12.
Variant type: single nucleotide variant.
Coding change: c.4093A>C on transcript NM_001142800.2 (MANE Select); coding-DNA position 4093, A replaced by C.
Protein change: p.Lys1365Gln; replaces lysine 1365 with glutamine.
Molecular consequence: missense variant.
Genome position (GRCh38, 1-based): chr6:64,591,774, T>G on the plus strand (A>C on the coding strand, the complement: EYS is on the minus strand). VCF-style: chr6-64591774-T-G. GRCh37 (hg19) VCF-style: chr6-65301667-T-G.
Other names: c.4093A>C, p.Lys1365Gln (NM_001292009.2); short protein forms K1365Q.
Identifiers: ClinVar variation 1378363 (VCV001378363.6), dbSNP rs16895519, ClinGen allele CA364784059.
Genomic context (GRCh38, chr6:64,591,774, plus strand): 5'-GAAAAAAGAAACCTAGTGTGGCTGCTGAAGTTCGAATAGGCATATGTGATACCGATGTTT[T>G]GTCCTGGACAATTTGTGCTGGGTCACGAATACCAAAATTCAGGAATCGAGAAGAGGAAAC-3'
Protein context (NP_001136272.1, residues 1355-1375): IRDPAQIVQD[Lys1365Gln]TSVSHMPIRT

ClinVar aggregate classification (germline): Uncertain significance (1 of 4 stars; one submission).

gnomAD v4.1: 1 of 1,551,312 alleles (0.000064%); highest among the groups gnomAD compares: Non-Finnish European, 0.000087%; no homozygotes.

Submission:

Labcorp Genetics (formerly Invitae), Labcorp
Classification: Uncertain significance. Last evaluated: 2022-02-05. Review status: criteria provided, single submitter. Criteria: Invitae Variant Classification Sherloc (09022015). Collection method: clinical testing. Allele origin: germline.
Comment: In summary, the available evidence is currently insufficient to determine the role of this variant in disease. Therefore, it has been classified as a Variant of Uncertain Significance. Algorithms developed to predict the effect of missense changes on protein structure and function (SIFT, PolyPhen-2, Align-GVGD) all suggest that this variant is likely to be tolerated. This variant has not been reported in the literature in individuals affected with EYS-related conditions. This variant is not present in population databases (gnomAD no frequency). This sequence change replaces lysine, which is basic and polar, with glutamine, which is neutral and polar, at codon 1365 of the EYS protein (p.Lys1365Gln).